The following is an entry in ClinVar:

ClinVar aggregate classification (germline): Uncertain significance (1 of 4 stars; one submission).

Allele frequency attached by ClinVar (database versions not stated): gnomAD exomes 0.00001; TOPMed 0.00001.
gnomAD v4.1: 3 of 1,613,742 alleles (0.00019%); highest among the groups gnomAD compares: East Asian, 0.0022%; no homozygotes.

Submission:

Labcorp Genetics (formerly Invitae), Labcorp
Classification: Uncertain significance. Last evaluated: 2022-05-20. Review status: criteria provided, single submitter. Criteria: Invitae Variant Classification Sherloc (09022015). Collection method: clinical testing. Allele origin: germline.
Comment: In summary, the available evidence is currently insufficient to determine the role of this variant in disease. Therefore, it has been classified as a Variant of Uncertain Significance. Variants that disrupt the consensus splice site are a relatively common cause of aberrant splicing (PMID: 17576681, 9536098). Algorithms developed to predict the effect of sequence changes on RNA splicing suggest that this variant is not likely to affect RNA splicing. This variant has not been reported in the literature in individuals affected with HMCN1-related conditions. This variant is present in population databases (no rsID available, gnomAD 0.007%). This sequence change falls in intron 52 of the HMCN1 gene. It does not directly change the encoded amino acid sequence of the HMCN1 protein. It affects a nucleotide within the consensus splice site.

Literature cited by the submitters: PubMed 17576681; PubMed 9536098.

NM_031935.3(HMCN1):c.8139+4A>G

Gene: HMCN1 (hemicentin 1; plus strand). Cytogenetic location: 1q31.1.
Variant type: single nucleotide variant.
Coding change: c.8139+4A>G on transcript NM_031935.3 (MANE Select); 4 bases into the intron after coding-DNA position 8139, A replaced by G.
Molecular consequence: intron variant.
Genome position (GRCh38, 1-based): chr1:186,070,761, A>G. VCF-style: chr1-186070761-A-G. GRCh37 (hg19) VCF-style: chr1-186039893-A-G.
Identifiers: ClinVar variation 1936159 (VCV001936159.5), dbSNP rs895045786, ClinGen allele CA33462870.